The following is an entry in ClinVar:

ClinVar aggregate classification (germline): Conflicting classifications of pathogenicity. Review status: criteria provided, conflicting classifications (1 of 4 stars). 4 submissions from 3 submitters: Pathogenic (2); Uncertain significance (2). Last evaluated 2025-11-11.

Conditions:
Maturity-onset diabetes of the young (MODY). Also called: Maturity onset diabetes mellitus in young. Identifiers: Orphanet 552, MedGen C0342276, MONDO:0018911, HP:0004904.
Hyperinsulinemic hypoglycemia, familial, 1 (HHF1). Also called: Persistent Hyperinsulinemia Hypoglycemia of Infancy; Persistent hyperinsulinemic hypoglycemia of infancy; NESIDIOBLASTOSIS OF PANCREAS; HYPERINSULINISM, FAMILIAL, WITH PANCREATIC NESIDIOBLASTOSIS; HYPOGLYCEMIA, HYPERINSULINEMIC, OF INFANCY. Identifiers: Orphanet 276575, Orphanet 276598, MedGen C2931832, MONDO:0009734, OMIM 256450.
Transitory neonatal diabetes mellitus. Also called: Transient neonatal diabetes mellitus. Identifiers: MedGen C0342273, MONDO:0020525, HP:0008255.

Allele frequency attached by ClinVar (database versions not stated): gnomAD exomes below 0.00001.
gnomAD v4.1: 1 of 1,613,810 alleles (0.000062%); highest among the groups gnomAD compares: Non-Finnish European, 0.000085%; no homozygotes.

Submissions (4):

Myriad Genetics, Inc.
Classification: Pathogenic for Hyperinsulinemic hypoglycemia, familial, 1. Last evaluated: 2025-11-11. Review status: criteria provided, single submitter. Criteria: Myriad Autosomal Dominant, Autosomal Recessive and X-Linked Classification Criteria (2023). Collection method: clinical testing. Allele origin: unknown.
Comment: NM_000352.3(ABCC8):c.2764C>T(Q922*) is a nonsense variant classified as pathogenic in the context of familial hyperinsulinism, ABCC8-related. Q922* has been observed in cases with relevant disease (PMID: 21422196, 39741883). Relevant functional assessments of this variant are not available in the literature. Q922* has not been observed in referenced population frequency databases. In summary, NM_000352.3(ABCC8):c.2764C>T(Q922*) is a nonsense variant in a gene where loss of function is a known mechanism of disease, is predicted to disrupt protein function, and has been observed more frequently in cases with the relevant disease than in healthy populations. Please note: this variant was assessed in the context of healthy population screening.

Labcorp Genetics (formerly Invitae), Labcorp
Classification: Pathogenic. Last evaluated: 2023-03-18. Review status: criteria provided, single submitter. Criteria: Invitae Variant Classification Sherloc (09022015). Collection method: clinical testing. Allele origin: germline.
Comment: This variant is not present in population databases (gnomAD no frequency). This premature translational stop signal has been observed in individual(s) with autosomal recessive congenital hyperinsulinism (PMID: 21422196, 30186238). This variant is also known as Q923*. ClinVar contains an entry for this variant (Variation ID: 939498). For these reasons, this variant has been classified as Pathogenic. This sequence change creates a premature translational stop signal (p.Gln922*) in the ABCC8 gene. It is expected to result in an absent or disrupted protein product. Loss-of-function variants in ABCC8 are known to be pathogenic (PMID: 20685672, 23345197).

Clinical Genomics, Uppaluri K&H Personalized Medicine Clinic
Classification: Uncertain significance for Maturity-onset diabetes of the young. Review status: criteria provided, single submitter. Criteria: K & H Uppaluri Personalized Medicine Clinic Variant Classification & Assertion Criteria_Updated V.1. Collection method: research. Allele origin: unknown. Inheritance: Somatic mutation.
Comment: Mutations in ABCC8 gene are associated with both neonatal diabetes mellitus as well as MODY. Patients with this mutation may have a better response to sulfonylureas. However, no sufficient evidence is found to ascertain the role of this particular variant ( rs1954644972) in MODY yet.

Clinical Genomics, Uppaluri K&H Personalized Medicine Clinic
Classification: Uncertain significance for Transitory neonatal diabetes mellitus. Review status: criteria provided, single submitter. Criteria: K & H Uppaluri Personalized Medicine Clinic Variant Classification & Assertion Criteria_Updated V.1. Collection method: research. Allele origin: unknown. Inheritance: Somatic mutation.
Comment: Mutations in ABCC8 gene are associated with both neonatal diabetes mellitus as well as MODY. Patients with this mutation may have a better response to sulfonylureas. However, no sufficient evidence is found to ascertain the role of this particular variant ( rs1954644972) in neonatal diabetes yet.

Literature cited by the submitters: PubMed 21422196 (cited by Myriad Genetics, Inc. and Labcorp Genetics (formerly Invitae), Labcorp); PubMed 39741883 (cited by Myriad Genetics, Inc.); PubMed 30186238 (cited by Labcorp Genetics (formerly Invitae), Labcorp); PubMed 20685672 (cited by Labcorp Genetics (formerly Invitae), Labcorp); PubMed 23345197 (cited by Labcorp Genetics (formerly Invitae), Labcorp); PubMed 16885549 (cited by Clinical Genomics, Uppaluri K&H Personalized Medicine Clinic); PubMed 21989597 (cited by Clinical Genomics, Uppaluri K&H Personalized Medicine Clinic); PubMed 27538677 (cited by Clinical Genomics, Uppaluri K&H Personalized Medicine Clinic); PubMed 18981553 (cited by Clinical Genomics, Uppaluri K&H Personalized Medicine Clinic); PubMed 32027066 (cited by Clinical Genomics, Uppaluri K&H Personalized Medicine Clinic); PubMed 16613899 (cited by Clinical Genomics, Uppaluri K&H Personalized Medicine Clinic); PubMed 18025408 (cited by Clinical Genomics, Uppaluri K&H Personalized Medicine Clinic); PubMed 32792356 (cited by Clinical Genomics, Uppaluri K&H Personalized Medicine Clinic).

NM_000352.6(ABCC8):c.2764C>T (p.Gln922Ter)

Gene: ABCC8 (ATP binding cassette subfamily C member 8; minus strand). Cytogenetic location: 11p15.1.
Variant type: single nucleotide variant.
Coding change: c.2764C>T on transcript NM_000352.6 (MANE Select); coding-DNA position 2764, C replaced by T.
Protein change: p.Gln922Ter; replaces glutamine 922 with a stop codon.
Molecular consequence: nonsense. On other transcripts: non-coding transcript variant (1).
Genome position (GRCh38, 1-based): chr11:17,408,448, G>A on the plus strand (C>T on the coding strand, the complement: ABCC8 is on the minus strand). VCF-style: chr11-17408448-G-A. GRCh37 (hg19) VCF-style: chr11-17429995-G-A.
Other names: c.2767C>T, p.Gln923Ter (NM_001287174.3); c.2830C>T, p.Gln944Ter (NM_001351295.2); c.2764C>T, p.Gln922Ter (NM_001351296.2); c.2761C>T, p.Gln921Ter (NM_001351297.2); short protein forms Q921*, Q922*, Q923*, Q944*.
Identifiers: ClinVar variation 939498 (VCV000939498.11), dbSNP rs1954644972, ClinGen allele CA379805188.